The following is an entry in ClinVar:

NM_000719.7(CACNA1C):c.4654A>G (p.Ser1552Gly)

Genes: CACNA1C (calcium voltage-gated channel subunit alpha1 C; plus strand), CACNA1C-AS2 (CACNA1C antisense RNA 2; minus strand). Cytogenetic location: 12p13.33.
Variant type: single nucleotide variant.
Coding change: c.4654A>G on transcript NM_000719.7 (MANE Select); coding-DNA position 4654, A replaced by G.
Protein change: p.Ser1552Gly; replaces serine 1552 with glycine.
Molecular consequence: missense variant. On other transcripts: non-coding transcript variant (1).
Genome position (GRCh38, 1-based): chr12:2,668,963, A>G. VCF-style: chr12-2668963-A-G. GRCh37 (hg19) VCF-style: chr12-2778129-A-G.
Other names: c.4798A>G, p.Ser1600Gly (NM_001129827.2, NM_199460.4); c.4720A>G, p.Ser1574Gly (NM_001129829.2); c.4654A>G, p.Ser1552Gly (NM_001129830.3, NM_001129833.2, NM_001129834.2 and 7 more transcripts); c.4738A>G, p.Ser1580Gly (NM_001129831.2); c.4714A>G, p.Ser1572Gly (NM_001129832.2); c.4705A>G, p.Ser1569Gly (NM_001129836.2); c.4621A>G, p.Ser1541Gly (NM_001129837.2, NM_001129838.2, NM_001129846.2 and 1 more transcripts); c.4615A>G, p.Ser1539Gly (NM_001129839.2); and 1 more; short protein forms S1539G, S1541G, S1549G, S1552G, S1569G, S1572G, S1574G, S1580G.
Identifiers: ClinVar variation 3363453 (VCV003363453.1).

ClinVar aggregate classification (germline): Uncertain significance (1 of 4 stars; one submission).

gnomAD v4.1: 1 of 1,614,150 alleles (0.000062%); highest among the groups gnomAD compares: Middle Eastern, 0.016%; no homozygotes.

Submission:

GeneDx
Classification: Uncertain significance. Last evaluated: 2023-10-30. Review status: criteria provided, single submitter. Criteria: GeneDx Variant Classification Process June 2021. Collection method: clinical testing. Allele origin: germline. Affected: yes.
Comment: Not observed at significant frequency in large population cohorts (gnomAD); In silico analysis supports that this missense variant has a deleterious effect on protein structure/function; Has not been previously published as pathogenic or benign to our knowledge